The following is an entry in ClinVar:

NM_000733.4(CD3E):c.507C>T (p.Gly169=)

Gene: CD3E (CD3 epsilon subunit of T-cell receptor complex; plus strand). Cytogenetic location: 11q23.3.
Variant type: single nucleotide variant.
Coding change: c.507C>T on transcript NM_000733.4 (MANE Select); coding-DNA position 507, C replaced by T.
Protein change: p.Gly169=; no amino-acid change (glycine 169 retained).
Molecular consequence: synonymous variant.
Genome position (GRCh38, 1-based): chr11:118,313,861, C>T. VCF-style: chr11-118313861-C-T. GRCh37 (hg19) VCF-style: chr11-118184576-C-T.
Identifiers: ClinVar variation 35807 (VCV000035807.21), dbSNP rs2231447, ClinGen allele CA213612.
Genomic context (GRCh38, chr11:118,313,861, plus strand): 5'-CTACTGGAGCAAGAATAGAAAGGCCAAGGCCAAGCCTGTGACACGAGGAGCGGGTGCTGG[C>T]GGCAGGCAAAGGGGTAAGGCTGTGGAGTCCAGTCAGAGGAGATTCCTGCCAAGGGGGACG-3'
Protein context (NP_000724.1, residues 159-179): AKPVTRGAGA[Gly169=]GRQRGQNKER

ClinVar aggregate classification (germline): Benign/Likely benign. Review status: criteria provided, multiple submitters, no conflicts (2 of 4 stars). 5 submissions from 5 submitters: Benign (3); Likely benign (2). Last evaluated 2026-02-01.

Conditions:
Immunodeficiency 18 (IMD18). Also called: CD3-EPSILON DEFICIENCY; CD3epsilon deficiency. Identifiers: MedGen C3810127, MONDO:0014278, OMIM 615615.
Severe combined immunodeficiency disease. Also called: Severe Combined Immune Deficiency; Severe combined immunodeficiency. Identifiers: Orphanet 183660, MedGen C0085110, MeSH D016511, MONDO:0015974, HP:0004430. Inheritance: X-Linked or Autosomal recessive.

Allele frequency attached by ClinVar (database versions not stated): TOPMed 0.00675; ESP Exome Variant Server 0.00785; 1000 Genomes Project 30x 0.00812; gnomAD 0.00816 and 0.00858; 1000 Genomes Project 0.00859.
gnomAD v4.1: 17,823 of 1,613,244 alleles (1.1%); highest among the groups gnomAD compares: South Asian, 1.7%; 123 homozygotes.

Submissions (5):

Labcorp Genetics (formerly Invitae), Labcorp
Classification: Benign for Immunodeficiency 18. Last evaluated: 2026-02-01. Review status: criteria provided, single submitter. Criteria: Invitae Variant Classification Sherloc (09022015). Collection method: clinical testing. Allele origin: germline.

Illumina Laboratory Services, Illumina
Classification: Benign for Immunodeficiency 18. Last evaluated: 2018-01-13. Review status: criteria provided, single submitter. Criteria: ICSL Variant Classification Criteria 13 December 2019. Collection method: clinical testing. Allele origin: germline.
Comment: This variant was observed in the ICSL laboratory as part of a predisposition screen in an ostensibly healthy population. It had not been previously curated by ICSL or reported in the Human Gene Mutation Database (HGMD: prior to June 1st, 2018), and was therefore a candidate for classification through an automated scoring system. Utilizing variant allele frequency, disease prevalence and penetrance estimates, and inheritance mode, an automated score was calculated to assess if this variant is too frequent to cause the disease. Based on the score and internal cut-off values, a variant classified as benign is not then subjected to further curation. The score for this variant resulted in a classification of benign for this disease.

GeneDx
Classification: Benign. Last evaluated: 2015-03-03. Review status: criteria provided, single submitter. Criteria: GeneDx Variant Classification Process June 2021. Collection method: clinical testing. Allele origin: germline. Affected: yes.

Women's Health and Genetics/Laboratory Corporation of America, LabCorp
Classification: Likely benign for SCID. Last evaluated: 2011-08-18. Review status: criteria provided, single submitter. Criteria: LabCorp Variant Classification Summary - May 2015. Collection method: curation. Allele origin: germline. Inheritance: autosomal unknown. Affected: yes.
ClinVar note: Converted during submission from likely benign to Likely benign.

Breakthrough Genomics
Classification: Likely benign. Review status: criteria provided, single submitter. Criteria: ACMG Guidelines, 2015. Collection method: not provided. Allele origin: germline. Inheritance: Autosomal recessive inheritance. Affected: yes.